The following is an entry in ClinVar:

NM_006734.4(HIVEP2):c.6883C>G (p.Pro2295Ala)

Gene: HIVEP2 (HIVEP zinc finger 2; minus strand). Cytogenetic location: 6q24.2.
Variant type: single nucleotide variant.
Coding change: c.6883C>G on transcript NM_006734.4 (MANE Select); coding-DNA position 6883, C replaced by G.
Protein change: p.Pro2295Ala; replaces proline 2295 with alanine.
Molecular consequence: missense variant.
Genome position (GRCh38, 1-based): chr6:142,753,565, G>C on the plus strand (C>G on the coding strand, the complement: HIVEP2 is on the minus strand). VCF-style: chr6-142753565-G-C. GRCh37 (hg19) VCF-style: chr6-143074702-G-C.
Other names: short protein forms P2295A.
Identifiers: ClinVar variation 3625231 (VCV003625231.2).

ClinVar aggregate classification (germline): Uncertain significance (1 of 4 stars; one submission).

gnomAD v4.1: 15 of 1,614,148 alleles (0.00093%); highest among the groups gnomAD compares: Non-Finnish European, 0.0013%; no homozygotes.

Submission:

Labcorp Genetics (formerly Invitae), Labcorp
Classification: Uncertain significance. Last evaluated: 2024-08-05. Review status: criteria provided, single submitter. Criteria: Invitae Variant Classification Sherloc (09022015). Collection method: clinical testing. Allele origin: germline.
Comment: This sequence change replaces proline, which is neutral and non-polar, with alanine, which is neutral and non-polar, at codon 2295 of the HIVEP2 protein (p.Pro2295Ala). This variant is not present in population databases (gnomAD no frequency). This variant has not been reported in the literature in individuals affected with HIVEP2-related conditions. An algorithm developed to predict the effect of missense changes on protein structure and function (PolyPhen-2) suggests that this variant is likely to be tolerated. In summary, the available evidence is currently insufficient to determine the role of this variant in disease. Therefore, it has been classified as a Variant of Uncertain Significance.